The following is an entry in ClinVar:

NM_004187.5(KDM5C):c.398G>T (p.Arg133Leu)

Gene: KDM5C (lysine demethylase 5C; minus strand). Cytogenetic location: Xp11.22.
Variant type: single nucleotide variant.
Coding change: c.398G>T on transcript NM_004187.5 (MANE Select); coding-DNA position 398, G replaced by T.
Protein change: p.Arg133Leu; replaces arginine 133 with leucine.
Molecular consequence: missense variant. On other transcripts: non-coding transcript variant (3).
Genome position (GRCh38, 1-based): chrX:53,217,920, C>A on the plus strand (G>T on the coding strand, the complement: KDM5C is on the minus strand). VCF-style: chrX-53217920-C-A. GRCh37 (hg19) VCF-style: chrX-53247102-C-A.
Other names: c.197G>T, p.Arg66Leu (NM_001146702.2); c.398G>T, p.Arg133Leu (NM_001282622.3, NM_001353978.3, NM_001353979.2 and 3 more transcripts); short protein forms R133L, R66L.
Identifiers: ClinVar variation 3389680 (VCV003389680.14).

ClinVar aggregate classification (germline): Uncertain significance (1 of 4 stars; one submission).

Submission:

CeGaT Center for Human Genetics Tuebingen
Classification: Uncertain significance. Last evaluated: 2024-09-01. Review status: criteria provided, single submitter. Criteria: CeGaT Center For Human Genetics Tuebingen Variant Classification Criteria Version 2. Collection method: clinical testing. Allele origin: germline. Affected: yes. Observed: 1 variant allele.
Comment: KDM5C: PM2, PP2